The following is an entry in ClinVar:

NM_001242896.3(DEPDC5):c.1678A>G (p.Asn560Asp)

Gene: DEPDC5 (DEP domain containing 5, GATOR1 subcomplex subunit; plus strand). Cytogenetic location: 22q12.3.
Variant type: single nucleotide variant.
Coding change: c.1678A>G on transcript NM_001242896.3 (MANE Select); coding-DNA position 1678, A replaced by G.
Protein change: p.Asn560Asp; replaces asparagine 560 with aspartic acid.
Molecular consequence: missense variant. On other transcripts: non-coding transcript variant (5).
Genome position (GRCh38, 1-based): chr22:31,819,033, A>G. VCF-style: chr22-31819033-A-G. GRCh37 (hg19) VCF-style: chr22-32215019-A-G.
Other names: c.1678A>G, p.Asn560Asp (NM_001136029.4, NM_001242897.2, NM_001363852.2 and 6 more transcripts); c.1594A>G, p.Asn532Asp (NM_001369901.1, NM_001369902.1); short protein forms N560D, N532D.
Identifiers: ClinVar variation 3501150 (VCV003501150.2).
Genomic context (GRCh38, chr22:31,819,033, plus strand): 5'-TGTGGTTCTGTGGTTTTTCTTTGTGACTCAACTCCATGATAACTGGCAGATGTCCTGGAG[A>G]ACATGATGGAGCCACCACAGCGAGACTCCAGTGCACCAGGGAGGTTTCACGTTGGCAGTG-3'
Protein context (NP_001229825.1, residues 550-570): GYTSTRDVLE[Asn560Asp]MMEPPQRDSS

ClinVar aggregate classification (germline): Uncertain significance. Review status: criteria provided, multiple submitters, no conflicts (2 of 4 stars). 2 submissions from 2 submitters: Uncertain significance (2). Last evaluated 2025-02-20.

Conditions:
Inborn genetic diseases. Identifiers: MedGen C0950123, MeSH D030342.
Familial focal epilepsy with variable foci (FPEVF). Identifiers: Orphanet 98820, MedGen C1858477, MONDO:0020310.

gnomAD v4.1: 3 of 1,614,028 alleles (0.00019%); highest among the groups gnomAD compares: African/African-American, 0.0013%; no homozygotes.

Submissions (2):

Labcorp Genetics (formerly Invitae), Labcorp
Classification: Uncertain significance for Familial focal epilepsy with variable foci. Last evaluated: 2025-02-20. Review status: criteria provided, single submitter. Criteria: Invitae Variant Classification Sherloc (09022015). Collection method: clinical testing. Allele origin: germline.
Comment: This sequence change replaces asparagine, which is neutral and polar, with aspartic acid, which is acidic and polar, at codon 560 of the DEPDC5 protein (p.Asn560Asp). This variant is present in population databases (no rsID available, gnomAD 0.01%). This variant has not been reported in the literature in individuals affected with DEPDC5-related conditions. ClinVar contains an entry for this variant (Variation ID: 3501150). Experimental studies and prediction algorithms are not available or were not evaluated, and the functional significance of this variant is currently unknown. In summary, the available evidence is currently insufficient to determine the role of this variant in disease. Therefore, it has been classified as a Variant of Uncertain Significance.

Ambry Genetics
Classification: Uncertain significance for Inborn genetic diseases. Last evaluated: 2024-10-20. Review status: criteria provided, single submitter. Criteria: Ambry Variant Classification Scheme 2023. Collection method: clinical testing. Allele origin: germline.